The following is an entry in ClinVar:

NM_001370158.1(MAGEB16):c.732A>T (p.Gly244=)

Gene: MAGEB16 (MAGE family member B16; plus strand). Cytogenetic location: Xp21.1.
Variant type: single nucleotide variant.
Coding change: c.732A>T on transcript NM_001370158.1 (MANE Select); coding-DNA position 732, A replaced by T.
Protein change: p.Gly244=; no amino-acid change (glycine 244 retained).
Molecular consequence: synonymous variant.
Genome position (GRCh38, 1-based): chrX:35,802,928, A>T. VCF-style: chrX-35802928-A-T. GRCh37 (hg19) VCF-style: chrX-35821045-A-T.
Other names: c.732A>T, p.Gly244= (NM_001099921.2, NM_001370159.1).
Identifiers: ClinVar variation 2660258 (VCV002660258.24), dbSNP rs2518924985, ClinGen allele CA515957445.

ClinVar aggregate classification (germline): Likely benign (1 of 4 stars; one submission).

Submission:

CeGaT Center for Human Genetics Tuebingen
Classification: Likely benign. Last evaluated: 2023-10-01. Review status: criteria provided, single submitter. Criteria: CeGaT Center For Human Genetics Tuebingen Variant Classification Criteria Version 2. Collection method: clinical testing. Allele origin: germline. Affected: yes. Observed: 1 variant allele.
Comment: MAGEB16: PM2:Supporting, BP4, BP7